The following is an entry in ClinVar:

NM_080916.3(DGUOK):c.711C>G (p.Leu237=)

Genes: DGUOK (deoxyguanosine kinase; plus strand), DGUOK-AS1 (DGUOK antisense RNA 1; minus strand). Cytogenetic location: 2p13.1.
Variant type: single nucleotide variant.
Coding change: c.711C>G on transcript NM_080916.3 (MANE Select); coding-DNA position 711, C replaced by G.
Protein change: p.Leu237=; no amino-acid change (leucine 237 retained).
Molecular consequence: synonymous variant. On other transcripts: non-coding transcript variant (8).
Genome position (GRCh38, 1-based): chr2:73,958,149, C>G. VCF-style: chr2-73958149-C-G. GRCh37 (hg19) VCF-style: chr2-74185276-C-G.
Other names: c.429C>G, p.Leu143= (NM_001318859.2); c.420C>G, p.Leu140= (NM_001318860.2, NM_001318861.2); c.402C>G, p.Leu134= (NM_001318862.2, NM_001318863.2); c.447C>G, p.Leu149= (NM_080918.3).
Identifiers: ClinVar variation 4995912 (VCV004995912.1).

ClinVar aggregate classification (germline): Likely benign (1 of 4 stars; one submission).

Conditions:
DGUOK-related disorder. Also called: DGUOK-related condition.

gnomAD v4.1: 1 of 1,613,218 alleles (0.000062%); highest among the groups gnomAD compares: Non-Finnish European, 0.000085%; no homozygotes.

Submission:

PreventionGenetics, part of Exact Sciences
Classification: Likely benign for DGUOK-related condition. Last evaluated: 2026-06-27. Review status: criteria provided, single submitter. Criteria: ACMG Guidelines, 2015. Collection method: clinical testing. Allele origin: germline.
Comment: This variant is classified as likely benign based on ACMG/AMP sequence variant interpretation guidelines (Richards et al. 2015 PMID: 25741868, with internal and published modifications).